The following is an entry in ClinVar:

ClinVar aggregate classification (germline): Conflicting classifications of pathogenicity. Review status: criteria provided, conflicting classifications (1 of 4 stars). 2 submissions from 2 submitters: Likely pathogenic (1); Uncertain significance (1). Last evaluated 2024-04-03.

Conditions:
Congenital disorder of glycosylation with defective fucosylation 2 (CDGF2). Identifiers: MedGen C5193028, MONDO:0020777, OMIM 618324.

Allele frequency attached by ClinVar (database versions not stated): ExAC below 0.00001; gnomAD exomes 0.00003 and 0.00001; gnomAD 0.00002; TOPMed 0.00002.
gnomAD v4.1: 44 of 1,596,670 alleles (0.0028%); highest among the groups gnomAD compares: Admixed American, 0.0035%; no homozygotes.

Submissions (3):

Labcorp Genetics (formerly Invitae), Labcorp
Classification: Uncertain significance. Last evaluated: 2024-04-03. Review status: criteria provided, single submitter. Criteria: Invitae Variant Classification Sherloc (09022015). Collection method: clinical testing. Allele origin: germline.
Comment: This sequence change creates a premature translational stop signal (p.Arg741*) in the FUK gene. It is expected to result in an absent or disrupted protein product. However, the current clinical and genetic evidence is not sufficient to establish whether loss-of-function variants in FUK cause disease. The frequency data for this variant in the population databases is considered unreliable, as metrics indicate poor data quality at this position in the gnomAD database. This variant has not been reported in the literature in individuals affected with FUK-related conditions. ClinVar contains an entry for this variant (Variation ID: 1031188). Algorithms developed to predict the effect of sequence changes on RNA splicing suggest that this variant may disrupt the consensus splice site. In summary, the available evidence is currently insufficient to determine the role of this variant in disease. Therefore, it has been classified as a Variant of Uncertain Significance.

Baylor Genetics
Classification: Likely pathogenic for Congenital disorder of glycosylation with defective fucosylation 2. Last evaluated: 2020-05-04. Review status: criteria provided, single submitter. Criteria: ACMG Guidelines, 2015. Collection method: clinical testing. Allele origin: unknown. Affected: yes.
Comment: This variant was determined to be likely pathogenic according to ACMG Guidelines, 2015 [PMID:25741868].

Dr. Peter K. Rogan Lab, Western University
No classification provided (evidence only). Condition: Familial prostate cancer. Review status: no classification provided. Collection method: in vitro. Allele origin: not applicable. Functional consequence: retained intron. Not counted in ClinVar's aggregate classification.

NM_145059.3(FCSK):c.2221C>T (p.Arg741Ter)

Gene: FCSK (fucose kinase; plus strand). Cytogenetic location: 16q22.1.
Variant type: single nucleotide variant.
Coding change: c.2221C>T on transcript NM_145059.3 (MANE Select); coding-DNA position 2221, C replaced by T.
Protein change: p.Arg741Ter; replaces arginine 741 with a stop codon.
Molecular consequence: nonsense.
Genome position (GRCh38, 1-based): chr16:70,474,855, C>T. VCF-style: chr16-70474855-C-T. GRCh37 (hg19) VCF-style: chr16-70508758-C-T.
Other names: short protein forms R741*.
Identifiers: ClinVar variation 1031188 (VCV001031188.4), dbSNP rs562205568, ClinGen allele CA8143525.